The following is an entry in ClinVar:

ClinVar aggregate classification (germline): Likely benign (1 of 4 stars; one submission).

gnomAD v4.1: 2 of 1,612,398 alleles (0.00012%); highest among the groups gnomAD compares: Non-Finnish European, 0.00017%; no homozygotes.

Submission:

CeGaT Center for Human Genetics Tuebingen
Classification: Likely benign. Last evaluated: 2026-02-01. Review status: criteria provided, single submitter. Criteria: CeGaT Center For Human Genetics Tuebingen Variant Classification Criteria Version 2. Collection method: clinical testing. Allele origin: germline. Affected: yes. Observed: 1 variant allele.
Comment: RORB: BP4, BP7

NM_006914.4(RORB):c.1305A>G (p.Pro435=)

Genes: RORB (RAR related orphan receptor B; plus strand), LOC124310566 (Sharpr-MPRA regulatory region 9792; plus strand). Cytogenetic location: 9q21.13.
Variant type: single nucleotide variant.
Coding change: c.1305A>G on transcript NM_006914.4 (MANE Select); coding-DNA position 1305, A replaced by G.
Protein change: p.Pro435=; no amino-acid change (proline 435 retained).
Molecular consequence: synonymous variant.
Genome position (GRCh38, 1-based): chr9:74,685,543, A>G. VCF-style: chr9-74685543-A-G. GRCh37 (hg19) VCF-style: chr9-77300459-A-G.
Other names: c.1338A>G, p.Pro446= (NM_001365023.1).
Identifiers: ClinVar variation 4822452 (VCV004822452.4).
Genomic context (GRCh38, chr9:74,685,543, plus strand): 5'-CATCACGGCAGTTTGCAACTTGCACGGGGAGAAGCTGCAGGTATTTAAGCAATCTCATCC[A>G]GAGATAGTGAATACACTGTTTCCTCCGTTATACAAGGAGCTCTTTAATCCTGACTGTGCC-3'
Protein context (NP_008845.2, residues 425-445): EKLQVFKQSH[Pro435=]EIVNTLFPPL